The following is an entry in ClinVar:

ClinVar aggregate classification (germline): Uncertain significance (1 of 4 stars; one submission).

Conditions:
3-methylglutaconic aciduria, type VIIB (MGCA7B). Also called: CLPB Deficiency; 3-methylglutaconic aciduria with cataracts, neurologic involvement and neutropenia; 3-methylglutaconic aciduria, type VII, with cataracts, neurologic involvement and neutropenia. Identifiers: Orphanet 445038, MedGen C5676893, MONDO:0014561, OMIM 616271.

gnomAD v4.1: 7 of 1,612,384 alleles (0.00043%); highest among the groups gnomAD compares: Non-Finnish European, 0.00059%; no homozygotes.

Submission:

Labcorp Genetics (formerly Invitae), Labcorp
Classification: Uncertain significance for 3-methylglutaconic aciduria, type VIIB. Last evaluated: 2025-06-08. Review status: criteria provided, single submitter. Criteria: Invitae Variant Classification Sherloc (09022015). Collection method: clinical testing. Allele origin: germline.
Comment: This sequence change replaces histidine, which is basic and polar, with arginine, which is basic and polar, at codon 346 of the CLPB protein (p.His346Arg). This variant is present in population databases (no rsID available, gnomAD 0.0009%). This variant has not been reported in the literature in individuals affected with CLPB-related conditions. An algorithm developed to predict the effect of missense changes on protein structure and function (PolyPhen-2) suggests that this variant is likely to be tolerated. In summary, the available evidence is currently insufficient to determine the role of this variant in disease. Therefore, it has been classified as a Variant of Uncertain Significance.

NM_001258392.3(CLPB):c.947A>G (p.His316Arg)

Gene: CLPB (ClpB family mitochondrial disaggregase; minus strand). Cytogenetic location: 11q13.4.
Variant type: single nucleotide variant.
Coding change: c.947A>G on transcript NM_001258392.3 (MANE Select); coding-DNA position 947, A replaced by G.
Protein change: p.His316Arg; replaces histidine 316 with arginine.
Molecular consequence: missense variant.
Genome position (GRCh38, 1-based): chr11:72,317,147, T>C on the plus strand (A>G on the coding strand, the complement: CLPB is on the minus strand). VCF-style: chr11-72317147-T-C. GRCh37 (hg19) VCF-style: chr11-72028191-T-C.
Other names: c.860A>G, p.His287Arg (NM_001258393.3); c.902A>G, p.His301Arg (NM_001258394.3); c.1037A>G, p.His346Arg (NM_030813.6); short protein forms H316R, H287R, H301R, H346R.
Identifiers: ClinVar variation 4769535 (VCV004769535.1).